The following is an entry in ClinVar:

ClinVar aggregate classification (germline): Uncertain significance (1 of 4 stars; one submission).

Conditions:
Hereditary spastic paraplegia 31. Also called: SPASTIC PARAPLEGIA 31, AUTOSOMAL DOMINANT. Identifiers: Orphanet 101011, MedGen C1853247, MONDO:0012453, OMIM 610250.

Allele frequency attached by ClinVar (database versions not stated): gnomAD 0.00002; gnomAD exomes 0.00002; TOPMed 0.00011.
gnomAD v4.1: 33 of 1,232,050 alleles (0.0027%); highest among the groups gnomAD compares: Admixed American, 0.017%; no homozygotes.

Submission:

Neuberg Centre For Genomic Medicine, NCGM
Classification: Uncertain significance for Hereditary spastic paraplegia 31. Last evaluated: 2023-02-14. Review status: criteria provided, single submitter. Criteria: ACMG Guidelines, 2015. Collection method: clinical testing. Allele origin: germline. Inheritance: Autosomal dominant inheritance. Affected: yes.
Comment: The missense c.715G>A (p.Glu239Lys) variant in REEP1 gene has not been reported previously as a pathogenic variant nor as a benign variant, to our knowledge. The p.Glu239Lys variant is novel (not in any individuals) in gnomAD Exomes and 1000 Genomes. This variant has not been reported to the ClinVar database. The amino acid change p.Glu239Lys in REEP1 is predicted as conserved by GERP++ and PhyloP across 100 vertebrates. The amino acid Glu at position 239 is changed to a Lys, changing protein sequence and it might alter its composition and physico-chemical properties. For these reasons, this variant has been classified as a Variant of Uncertain Significance (VUS).

NM_001371279.1(REEP1):c.715G>A (p.Glu239Lys)

Gene: REEP1 (receptor accessory protein 1; minus strand). Cytogenetic location: 2p11.2.
Variant type: single nucleotide variant.
Coding change: c.715G>A on transcript NM_001371279.1 (MANE Select); coding-DNA position 715, G replaced by A.
Protein change: p.Glu239Lys; replaces glutamic acid 239 with lysine.
Molecular consequence: missense variant. On other transcripts: intron variant (6).
Genome position (GRCh38, 1-based): chr2:86,220,038, C>T on the plus strand (G>A on the coding strand, the complement: REEP1 is on the minus strand). VCF-style: chr2-86220038-C-T. GRCh37 (hg19) VCF-style: chr2-86447161-C-T.
Other names: c.515-2928G>A (NM_001164731.2); c.361-2928G>A (NM_001164732.2); c.418-2928G>A (NM_001371280.1); c.679G>A, p.Glu227Lys (NM_001410855.1); c.617-2928G>A (NM_001164730.2); c.596-2928G>A (NM_022912.3); c.632-2928G>A (NM_001410856.1); short protein forms E227K, E239K.
Identifiers: ClinVar variation 2671712 (VCV002671712.1), dbSNP rs914629625, ClinGen allele CA51358934.